The following is an entry in ClinVar:

ClinVar aggregate classification (germline): Conflicting classifications of pathogenicity. Review status: criteria provided, conflicting classifications (1 of 4 stars). 7 submissions from 7 submitters: Uncertain significance (1); Benign (1); Likely benign (5). Last evaluated 2025-12-31.

Conditions:
Arrhythmogenic right ventricular dysplasia 8 (ARVD8). Also called: Arrhythmogenic Right Ventricular Dysplasia/Cardiomyopathy 8; ARRHYTHMOGENIC RIGHT VENTRICULAR DYSPLASIA, FAMILIAL, 8; ARRHYTHMOGENIC RIGHT VENTRICULAR CARDIOMYOPATHY 8. Identifiers: MedGen C1843896, MONDO:0011831, OMIM 607450.
Arrhythmogenic cardiomyopathy with wooly hair and keratoderma. Also called: Carvajal syndrome; Dilated cardiomyopathy with woolly hair and keratoderma; Arrhythmogenic cardiomyopathy with woolly hair and keratoderma; PALMOPLANTAR KERATODERMA WITH LEFT VENTRICULAR CARDIOMYOPATHY AND WOOLLY HAIR. Identifiers: Orphanet 65282, MedGen C1854063, MONDO:0011581, OMIM 605676.
Cardiovascular phenotype. Identifiers: MedGen CN230736.
Cardiomyopathy (CMYO). Also called: Cardiomyopathies. Identifiers: Orphanet 167848, MedGen C0878544, MONDO:0004994, HP:0001638. Inheritance: Various modes of inheritance.

Allele frequency attached by ClinVar (database versions not stated): gnomAD 0.00001 and 0.00003; TOPMed 0.00002; gnomAD exomes 0.00009 and 0.00018; ExAC 0.00017; 1000 Genomes Project 30x 0.00031; 1000 Genomes Project 0.00040.
gnomAD v4.1: 143 of 1,613,972 alleles (0.0089%); highest among the groups gnomAD compares: South Asian, 0.15%; 1 homozygote.

Submissions (7):

Labcorp Genetics (formerly Invitae), Labcorp
Classification: Likely benign for Arrhythmogenic cardiomyopathy with wooly hair and keratoderma; Arrhythmogenic right ventricular dysplasia 8. Last evaluated: 2025-12-31. Review status: criteria provided, single submitter. Criteria: Invitae Variant Classification Sherloc (09022015). Collection method: clinical testing. Allele origin: germline.

Blueprint Genetics
Classification: Likely benign. Last evaluated: 2021-08-25. Review status: criteria provided, single submitter. Criteria: ACMG Guidelines, 2015. Collection method: clinical testing. Allele origin: germline.

Ambry Genetics
Classification: Likely benign for Cardiovascular phenotype. Last evaluated: 2020-06-24. Review status: criteria provided, single submitter. Criteria: Ambry Variant Classification Scheme 2023. Collection method: clinical testing. Allele origin: germline.

Color Diagnostics, LLC DBA Color Health
Classification: Likely benign for Cardiomyopathy. Last evaluated: 2020-04-29. Review status: criteria provided, single submitter. Criteria: ACMG Guidelines, 2015. Collection method: clinical testing. Allele origin: germline.

GeneDx
Classification: Likely benign. Last evaluated: 2020-01-06. Review status: criteria provided, single submitter. Criteria: GeneDx Variant Classification Process June 2021. Collection method: clinical testing. Allele origin: germline. Affected: yes.

CHEO Genetics Diagnostic Laboratory, Children's Hospital of Eastern Ontario
Classification: Benign for Cardiomyopathy. Last evaluated: 2018-01-29. Review status: criteria provided, single submitter. Criteria: ACMG Guidelines, 2015. Collection method: clinical testing. Allele origin: germline.

Laboratory for Molecular Medicine, Mass General Brigham Personalized Medicine
Classification: Uncertain significance. Last evaluated: 2015-03-11. Review status: criteria provided, single submitter. Criteria: LMM Criteria. Collection method: clinical testing. Allele origin: germline. Observed: 1 variant allele.
Comment: Variant classified as Uncertain Significance - Favor Benign. The p.Arg1509Lys va riant in DSP has not been previously reported in individuals with cardiomyopathy , but has been identified in 0.1% (19/16428) of South Asian chromosomes by the E xome Aggregation Consortium (ExAC; dbSNP rs57706 1462). Computational prediction tools and conservation analysis do not provide strong support for or against an impact to the protein. In summary, while the cl inical significance of the p.Arg1509Lys variant is uncertain, its frequency sugg ests that it is more likely to be benign.

NM_004415.4(DSP):c.4526G>A (p.Arg1509Lys)

Gene: DSP (desmoplakin; plus strand). Cytogenetic location: 6p24.3.
Variant type: single nucleotide variant.
Coding change: c.4526G>A on transcript NM_004415.4 (MANE Select); coding-DNA position 4526, G replaced by A.
Protein change: p.Arg1509Lys; replaces arginine 1509 with lysine.
Molecular consequence: missense variant. On other transcripts: intron variant (2).
Genome position (GRCh38, 1-based): chr6:7,580,716, G>A. VCF-style: chr6-7580716-G-A. GRCh37 (hg19) VCF-style: chr6-7580949-G-A.
Other names: c.4050+476G>A (NM_001319034.2); c.3582+944G>A (NM_001008844.3); short protein forms R1509K.
Identifiers: ClinVar variation 228643 (VCV000228643.24), dbSNP rs577061462, ClinGen allele CA041851.